The following is an entry in ClinVar:

ClinVar aggregate classification (germline): Likely benign. Review status: criteria provided, single submitter (1 of 4 stars). 2 submissions from 2 submitters: Likely benign (1). 1 of the submissions does not count toward it. Last evaluated 2025-12-06.

Conditions:
Hereditary spastic paraplegia 11. Also called: Spastic Paraplegia 11; Nakamura Osame syndrome; Autosomal recessive hereditary spastic paraplegia, mental impairment, and thin corpus callosum; Spastic paraplegia, mental retardation and thin corpus callosum; SPASTIC PARAPLEGIA, AUTOSOMAL RECESSIVE, COMPLICATED, WITH THIN CORPUS CALLOSUM; SPASTIC PARAPLEGIA, AUTOSOMAL RECESSIVE, WITH MENTAL IMPAIRMENT AND THIN CORPUS CALLOSUM. Identifiers: Orphanet 2822, MedGen C1858479, MONDO:0011445, OMIM 604360.
SPG11-related disorder. Also called: SPG11-related condition.

Allele frequency attached by ClinVar (database versions not stated): TOPMed below 0.00001; gnomAD 0.00001; gnomAD exomes 0.00005 and 0.00012; ESP Exome Variant Server 0.00008; 1000 Genomes Project 30x 0.00016; ExAC 0.00016; 1000 Genomes Project 0.00020.
gnomAD v4.1: 75 of 1,596,428 alleles (0.0047%); highest among the groups gnomAD compares: South Asian, 0.064%; no homozygotes.

Submissions (2):

Labcorp Genetics (formerly Invitae), Labcorp
Classification: Likely benign for Hereditary spastic paraplegia 11. Last evaluated: 2025-12-06. Review status: criteria provided, single submitter. Criteria: Invitae Variant Classification Sherloc (09022015). Collection method: clinical testing. Allele origin: germline.

PreventionGenetics, part of Exact Sciences
Classification: Likely benign for SPG11-related condition. Last evaluated: 2022-01-26. Review status: no assertion criteria provided. Collection method: clinical testing. Allele origin: germline. Not counted in ClinVar's aggregate classification.
Comment: This variant is classified as likely benign based on ACMG/AMP sequence variant interpretation guidelines (Richards et al. 2015 PMID: 25741868, with internal and published modifications).

NM_025137.4(SPG11):c.45T>C (p.Gly15=)

Gene: SPG11 (SPG11 vesicle trafficking associated, spatacsin; minus strand). Cytogenetic location: 15q21.1.
Variant type: single nucleotide variant.
Coding change: c.45T>C on transcript NM_025137.4 (MANE Select); coding-DNA position 45, T replaced by C.
Protein change: p.Gly15=; no amino-acid change (glycine 15 retained).
Molecular consequence: synonymous variant.
Genome position (GRCh38, 1-based): chr15:44,663,603, A>G on the plus strand (T>C on the coding strand, the complement: SPG11 is on the minus strand). VCF-style: chr15-44663603-A-G. GRCh37 (hg19) VCF-style: chr15-44955801-A-G.
Other names: c.45T>C (NM_025137.3); c.45T>C, p.Gly15= (NM_001160227.2).
Identifiers: ClinVar variation 1151934 (VCV001151934.11), dbSNP rs371828554, ClinGen allele CA7535966.
Genomic context (GRCh38, chr15:44,663,603, plus strand): 5'-GGCGGGGACTGGCACCAACAGCATCGGTAGAACCCGCCCCATGGCCGCGGTGCCCCAGCT[A>G]CCGCCGGCGGAAGCAGCACTCGCGACCCCTTCCTCTGCAGCCATCTTGGCCCGGCGGTTA-3'
Protein context (NP_079413.3, residues 5-25): EGVASAASAG[Gly15=]SWGTAAMGRV